The following is an entry in ClinVar:

ClinVar aggregate classification (germline): Likely benign (1 of 4 stars; one submission).

Submission:

CeGaT Center for Human Genetics Tuebingen
Classification: Likely benign. Last evaluated: 2024-03-01. Review status: criteria provided, single submitter. Criteria: CeGaT Center For Human Genetics Tuebingen Variant Classification Criteria Version 2. Collection method: clinical testing. Allele origin: germline. Affected: yes. Observed: 1 variant allele.
Comment: ZFYVE26: PM2:Supporting, BP4, BP7

NM_015346.4(ZFYVE26):c.108A>C (p.Val36=)

Gene: ZFYVE26 (zinc finger FYVE-type containing 26; minus strand). Cytogenetic location: 14q24.1.
Variant type: single nucleotide variant.
Coding change: c.108A>C on transcript NM_015346.4 (MANE Select); coding-DNA position 108, A replaced by C.
Protein change: p.Val36=; no amino-acid change (valine 36 retained).
Molecular consequence: synonymous variant.
Genome position (GRCh38, 1-based): chr14:67,815,856, T>G on the plus strand (A>C on the coding strand, the complement: ZFYVE26 is on the minus strand). VCF-style: chr14-67815856-T-G. GRCh37 (hg19) VCF-style: chr14-68282573-T-G.
Identifiers: ClinVar variation 3234398 (VCV003234398.20), dbSNP rs759457505, ClinGen allele CA486762331.